The following is an entry in ClinVar:

ClinVar aggregate classification (germline): Likely benign. Review status: criteria provided, multiple submitters, no conflicts (2 of 4 stars). 2 submissions from 2 submitters: Likely benign (2). Last evaluated 2025-08-05.

Conditions:
Hypokalemic periodic paralysis, type 1. Also called: Hypokalemic Periodic Paralysis Type 1 (AD); HypoPP. Identifiers: Orphanet 681, MedGen C3714580, MONDO:0042979, OMIM 170400.
Malignant hyperthermia, susceptibility to, 5 (MHS5). Also called: CACNA1S-Related Malignant Hyperthermia Susceptibility. Identifiers: Orphanet 423, MedGen C1866077, MONDO:0011163, OMIM 601887.

Allele frequency attached by ClinVar (database versions not stated): gnomAD exomes below 0.00001.
gnomAD v4.1: 3 of 1,613,932 alleles (0.00019%); highest among the groups gnomAD compares: Non-Finnish European, 0.00025%; no homozygotes.

Submissions (2):

Labcorp Genetics (formerly Invitae), Labcorp
Classification: Likely benign for Hypokalemic periodic paralysis, type 1; Malignant hyperthermia, susceptibility to, 5. Last evaluated: 2025-08-05. Review status: criteria provided, single submitter. Criteria: Invitae Variant Classification Sherloc (09022015). Collection method: clinical testing. Allele origin: germline.

All of Us Research Program, National Institutes of Health
Classification: Likely benign for Malignant hyperthermia, susceptibility to, 5. Last evaluated: 2023-04-28. Review status: criteria provided, single submitter. Criteria: ACMG Guidelines, 2015. Collection method: clinical testing. Allele origin: germline. Inheritance: Autosomal dominant inheritance. Observed: 1 variant allele, 1 heterozygote.
Comment: This study involves interpretation of variants in research participants for the purpose of population health screening. Participant phenotype was not available at the time of variant classification. Additional details can be found in publication PMID: 35346344, PMCID: PMC8962531

NM_000069.3(CACNA1S):c.2184T>C (p.Asn728=)

Gene: CACNA1S (calcium voltage-gated channel subunit alpha1 S; minus strand). Cytogenetic location: 1q32.1.
Variant type: single nucleotide variant.
Coding change: c.2184T>C on transcript NM_000069.3 (MANE Select); coding-DNA position 2184, T replaced by C.
Protein change: p.Asn728=; no amino-acid change (asparagine 728 retained).
Molecular consequence: synonymous variant.
Genome position (GRCh38, 1-based): chr1:201,072,798, A>G on the plus strand (T>C on the coding strand, the complement: CACNA1S is on the minus strand). VCF-style: chr1-201072798-A-G. GRCh37 (hg19) VCF-style: chr1-201041926-A-G.
Identifiers: ClinVar variation 3070532 (VCV003070532.2), dbSNP rs2464547080, ClinGen allele CA422688353.
Genomic context (GRCh38, chr1:201,072,798, plus strand): 5'-GTCTCCAGCATCCTCACCTGGGAAGTCGGCTGAGGGGTAGGGATCCTTCACCTCATTGAC[A>G]TTAGATTCAAACTCATCGATTTTCAGCTGTAGGAAGGAACACAATGACTATAACAATGAA-3'
Protein context (NP_000060.2, residues 718-738): AKLKIDEFES[Asn728=]VNEVKDPYPS